The following is an entry in ClinVar:

NM_001079668.3(NKX2-1):c.18T>A (p.Ser6Arg)

Genes: NKX2-1 (NK2 homeobox 1; minus strand), NKX2-1-AS1 (NKX2-1 antisense RNA 1; plus strand). Cytogenetic location: 14q13.3.
Variant type: single nucleotide variant.
Coding change: c.18T>A on transcript NM_001079668.3 (MANE Select); coding-DNA position 18, T replaced by A.
Protein change: p.Ser6Arg; replaces serine 6 with arginine.
Molecular consequence: missense variant.
Genome position (GRCh38, 1-based): chr14:36,520,112, A>T on the plus strand (T>A on the coding strand, the complement: NKX2-1 is on the minus strand). VCF-style: chr14-36520112-A-T. GRCh37 (hg19) VCF-style: chr14-36989317-A-T.
Other names: short protein forms S6R.
Identifiers: ClinVar variation 2199154 (VCV002199154.4), dbSNP rs1005311801, ClinGen allele CA258879038.

ClinVar aggregate classification (germline): Uncertain significance (1 of 4 stars; one submission).

Allele frequency attached by ClinVar (database versions not stated): gnomAD 0.00002.

Submission:

Labcorp Genetics (formerly Invitae), Labcorp
Classification: Uncertain significance. Last evaluated: 2024-04-10. Review status: criteria provided, single submitter. Criteria: Invitae Variant Classification Sherloc (09022015). Collection method: clinical testing. Allele origin: germline.
Comment: This sequence change replaces serine, which is neutral and polar, with arginine, which is basic and polar, at codon 6 of the NKX2-1 protein (p.Ser6Arg). This variant is present in population databases (no rsID available, gnomAD 0.003%). This variant has not been reported in the literature in individuals affected with NKX2-1-related conditions. ClinVar contains an entry for this variant (Variation ID: 2199154). An algorithm developed to predict the effect of missense changes on protein structure and function (PolyPhen-2) suggests that this variant is likely to be tolerated. In summary, the available evidence is currently insufficient to determine the role of this variant in disease. Therefore, it has been classified as a Variant of Uncertain Significance.